The following is an entry in ClinVar:

NM_152296.5(ATP1A3):c.879T>C (p.Gly293=)

Gene: ATP1A3 (ATPase Na+/K+ transporting subunit alpha 3; minus strand). Cytogenetic location: 19q13.2.
Variant type: single nucleotide variant.
Coding change: c.879T>C on transcript NM_152296.5 (MANE Select); coding-DNA position 879, T replaced by C.
Protein change: p.Gly293=; no amino-acid change (glycine 293 retained).
Molecular consequence: synonymous variant.
Genome position (GRCh38, 1-based): chr19:41,985,032, A>G on the plus strand (T>C on the coding strand, the complement: ATP1A3 is on the minus strand). VCF-style: chr19-41985032-A-G. GRCh37 (hg19) VCF-style: chr19-42489184-A-G.
Other names: c.912T>C, p.Gly304= (NM_001256213.2); c.918T>C, p.Gly306= (NM_001256214.2); c.918T>C (NM_001256214.1).
Identifiers: ClinVar variation 699836 (VCV000699836.11), dbSNP rs782184674, ClinGen allele CA9467766.
Genomic context (GRCh38, chr19:41,985,032, plus strand): 5'-GAAGATGACAGCCTCAAGCCAGGTGTATCCGAGAATGAGGGAGAGGATGAAGAAGGAGAC[A>G]CCCAGGAAGACAGCCACGCCGGTGATGAGCTGGATGAAGTGCTCAATCTCGATGGCGATG-3'
Protein context (NP_689509.1, residues 283-303): QLITGVAVFL[Gly293=]VSFFILSLIL

ClinVar aggregate classification (germline): Likely benign. Review status: criteria provided, multiple submitters, no conflicts (2 of 4 stars). 2 submissions from 2 submitters: Likely benign (2). Last evaluated 2026-02-03.

Conditions:
Dystonia 12 (DYT12). Also called: Rapid-Onset Dystonia-Parkinsonism (RDP); DYT-ATP1A3. Identifiers: Orphanet 71517, MedGen C1868681, MONDO:0007496, OMIM 128235.
ATP1A3-related disorder. Also called: ATP1A3-related condition; ATP1A3-related disorders. Identifiers: MedGen CN381097.

Allele frequency attached by ClinVar (database versions not stated): TOPMed 0.00002; ExAC 0.00001; gnomAD 0.00001; gnomAD exomes 0.00001 and 0.00002.
gnomAD v4.1: 24 of 1,613,918 alleles (0.0015%); highest among the groups gnomAD compares: Middle Eastern, 0.016%; no homozygotes.

Submissions (2):

Labcorp Genetics (formerly Invitae), Labcorp
Classification: Likely benign for Dystonia 12. Last evaluated: 2026-02-03. Review status: criteria provided, single submitter. Criteria: Invitae Variant Classification Sherloc (09022015). Collection method: clinical testing. Allele origin: germline.

PreventionGenetics, part of Exact Sciences
Classification: Likely benign for ATP1A3-related condition. Last evaluated: 2024-12-02. Review status: criteria provided, single submitter. Criteria: ACMG Guidelines, 2015. Collection method: clinical testing. Allele origin: germline.
Comment: This variant is classified as likely benign based on ACMG/AMP sequence variant interpretation guidelines (Richards et al. 2015 PMID: 25741868, with internal and published modifications).